The following is an entry in ClinVar:

ClinVar aggregate classification (germline): Uncertain significance (1 of 4 stars; one submission).

gnomAD v4.1: 2 of 1,614,006 alleles (0.00012%); highest among the groups gnomAD compares: Non-Finnish European, 0.00017%; no homozygotes.

Submission:

Labcorp Genetics (formerly Invitae), Labcorp
Classification: Uncertain significance. Last evaluated: 2025-12-21. Review status: criteria provided, single submitter. Criteria: Invitae Variant Classification Sherloc (09022015). Collection method: clinical testing. Allele origin: germline.
Comment: This sequence change replaces glutamine, which is neutral and polar, with leucine, which is neutral and non-polar, at codon 143 of the SKIV2L protein (p.Gln143Leu). This variant is not present in population databases (gnomAD no frequency). This variant has not been reported in the literature in individuals affected with SKIV2L-related conditions. An algorithm developed to predict the effect of missense changes on protein structure and function (PolyPhen-2) suggests that this variant is likely to be tolerated. In summary, the available evidence is currently insufficient to determine the role of this variant in disease. Therefore, it has been classified as a Variant of Uncertain Significance.

NM_006929.5(SKIC2):c.428A>T (p.Gln143Leu)

Gene: SKIC2 (SKI2 subunit of superkiller complex; plus strand). Cytogenetic location: 6p21.33.
Variant type: single nucleotide variant.
Coding change: c.428A>T on transcript NM_006929.5 (MANE Select); coding-DNA position 428, A replaced by T.
Protein change: p.Gln143Leu; replaces glutamine 143 with leucine.
Molecular consequence: missense variant.
Genome position (GRCh38, 1-based): chr6:31,960,505, A>T. VCF-style: chr6-31960505-A-T. GRCh37 (hg19) VCF-style: chr6-31928282-A-T.
Other names: short protein forms Q143L.
Identifiers: ClinVar variation 4733442 (VCV004733442.1).
Genomic context (GRCh38, chr6:31,960,505, plus strand): 5'-ACACAAATCTCTCGGCTACAACCTCCTTGTCTCTTCGCCGGCCTCCAGGGCCAGCCTCCC[A>T]GTCCTTATGGGGAAATCCAACTCAGTATCCCTTCTGGCCAGGTGACTCTTGTGGAGATGG-3'
Protein context (NP_008860.4, residues 133-153): SLRRPPGPAS[Gln143Leu]SLWGNPTQYP